The following is an entry in ClinVar:

ClinVar aggregate classification (germline): Uncertain significance. Review status: criteria provided, multiple submitters, no conflicts (2 of 4 stars). 2 submissions from 2 submitters: Uncertain significance (2). Last evaluated 2025-08-05.

Conditions:
Inborn genetic diseases. Identifiers: MedGen C0950123, MeSH D030342.

gnomAD v4.1: 14 of 1,485,548 alleles (0.00094%); highest among the groups gnomAD compares: Non-Finnish European, 0.0012%; no homozygotes.

Submissions (2):

Ambry Genetics
Classification: Uncertain significance for Inborn genetic diseases. Last evaluated: 2025-08-05. Review status: criteria provided, single submitter. Criteria: Ambry Variant Classification Scheme 2023. Collection method: clinical testing. Allele origin: germline.

Labcorp Genetics (formerly Invitae), Labcorp
Classification: Uncertain significance. Last evaluated: 2025-01-11. Review status: criteria provided, single submitter. Criteria: Invitae Variant Classification Sherloc (09022015). Collection method: clinical testing. Allele origin: germline.
Comment: This sequence change replaces alanine, which is neutral and non-polar, with proline, which is neutral and non-polar, at codon 163 of the LEMD3 protein (p.Ala163Pro). This variant is not present in population databases (gnomAD no frequency). This variant has not been reported in the literature in individuals affected with LEMD3-related conditions. Invitae Evidence Modeling of protein sequence and biophysical properties (such as structural, functional, and spatial information, amino acid conservation, physicochemical variation, residue mobility, and thermodynamic stability) indicates that this missense variant is not expected to disrupt LEMD3 protein function with a negative predictive value of 80%. In summary, the available evidence is currently insufficient to determine the role of this variant in disease. Therefore, it has been classified as a Variant of Uncertain Significance.

NM_014319.5(LEMD3):c.487G>C (p.Ala163Pro)

Gene: LEMD3 (LEM domain containing 3; plus strand). Cytogenetic location: 12q14.3.
Variant type: single nucleotide variant.
Coding change: c.487G>C on transcript NM_014319.5 (MANE Select); coding-DNA position 487, G replaced by C.
Protein change: p.Ala163Pro; replaces alanine 163 with proline.
Molecular consequence: missense variant.
Genome position (GRCh38, 1-based): chr12:65,170,083, G>C. VCF-style: chr12-65170083-G-C. GRCh37 (hg19) VCF-style: chr12-65563863-G-C.
Other names: c.487G>C (NM_014319.4); c.487G>C, p.Ala163Pro (NM_001167614.2); short protein forms A163P.
Identifiers: ClinVar variation 3676653 (VCV003676653.3).
Genomic context (GRCh38, chr12:65,170,083, plus strand): 5'-GAGTCGGACGTGGAGGCCAGTCCCCGGGACCAGGCCGGCGGCGGCGGGAGGAAAGACCGG[G>C]CTTCGCTCCAGTACCGCGGGCTCAAAGCGCCGCCGGCGCCCCTGGCCGCCAGCGAGGTGA-3'
Protein context (NP_055134.2, residues 153-173): QAGGGGRKDR[Ala163Pro]SLQYRGLKAP